The following is an entry in ClinVar:

NM_197968.4(ZMYM2):c.1688C>G (p.Ser563Ter)

Gene: ZMYM2 (zinc finger MYM-type containing 2; plus strand). Cytogenetic location: 13q12.11.
Variant type: single nucleotide variant.
Coding change: c.1688C>G on transcript NM_197968.4 (MANE Select); coding-DNA position 1688, C replaced by G.
Protein change: p.Ser563Ter; replaces serine 563 with a stop codon.
Molecular consequence: nonsense. On other transcripts: non-coding transcript variant (1).
Genome position (GRCh38, 1-based): chr13:20,026,715, C>G. VCF-style: chr13-20026715-C-G. GRCh37 (hg19) VCF-style: chr13-20600855-C-G.
Other names: c.1688C>G, p.Ser563Ter (NM_001190964.4, NM_001190965.4, NM_001353157.2 and 5 more transcripts); c.1493C>G, p.Ser498Ter (NM_001353161.3); c.1427C>G, p.Ser476Ter (NM_001353163.2); short protein forms S476*, S498*, S563*.
Identifiers: ClinVar variation 4687069 (VCV004687069.1).

ClinVar aggregate classification (germline): Pathogenic (1 of 4 stars; one submission).

Submission:

GeneDx
Classification: Pathogenic. Last evaluated: 2025-07-25. Review status: criteria provided, single submitter. Criteria: GeneDx Variant Classification Process June 2021. Collection method: clinical testing. Allele origin: germline. Affected: yes.
Comment: Nonsense variant predicted to result in protein truncation or nonsense mediated decay in a gene for which loss of function is a known mechanism of disease; Not observed at significant frequency in large population cohorts (gnomAD); Has not been previously published as pathogenic or benign to our knowledge